The following is an entry in ClinVar:

ClinVar aggregate classification (germline): Uncertain significance (1 of 4 stars; one submission).

Allele frequency attached by ClinVar (database versions not stated): gnomAD 0.00001; ExAC 0.00002; gnomAD exomes 0.00002 and 0.00004; TOPMed 0.00002; ESP Exome Variant Server 0.00008.
gnomAD v4.1: 62 of 1,613,406 alleles (0.0038%); highest among the groups gnomAD compares: Admixed American, 0.0083%; no homozygotes.

Submission:

Labcorp Genetics (formerly Invitae), Labcorp
Classification: Uncertain significance. Last evaluated: 2026-01-02. Review status: criteria provided, single submitter. Criteria: Invitae Variant Classification Sherloc (09022015). Collection method: clinical testing. Allele origin: germline.
Comment: This sequence change affects codon 965 of the COL2A1 mRNA. It is a 'silent' change, meaning that it does not change the encoded amino acid sequence of the COL2A1 protein. It affects a nucleotide within the consensus splice site. This variant is present in population databases (rs368853371, gnomAD 0.004%). This variant has not been reported in the literature in individuals affected with COL2A1-related conditions. ClinVar contains an entry for this variant (Variation ID: 1370088). Algorithms developed to predict the effect of sequence changes on RNA splicing suggest that this variant is not likely to affect RNA splicing. In summary, the available evidence is currently insufficient to determine the role of this variant in disease. Therefore, it has been classified as a Variant of Uncertain Significance.

NM_001844.5(COL2A1):c.2895T>C (p.Ser965=)

Gene: COL2A1 (collagen type II alpha 1 chain; minus strand). Cytogenetic location: 12q13.11.
Variant type: single nucleotide variant.
Coding change: c.2895T>C on transcript NM_001844.5 (MANE Select); coding-DNA position 2895, T replaced by C.
Protein change: p.Ser965=; no amino-acid change (serine 965 retained).
Molecular consequence: synonymous variant.
Genome position (GRCh38, 1-based): chr12:47,978,597, A>G on the plus strand (T>C on the coding strand, the complement: COL2A1 is on the minus strand). VCF-style: chr12-47978597-A-G. GRCh37 (hg19) VCF-style: chr12-48372380-A-G.
Other names: c.2688T>C, p.Ser896= (NM_033150.3).
Identifiers: ClinVar variation 1370088 (VCV001370088.6), dbSNP rs368853371, ClinGen allele CA6534965.